The following is an entry in ClinVar:

ClinVar aggregate classification (germline): Uncertain significance (1 of 4 stars; one submission).

Submission:

Women's Health and Genetics/Laboratory Corporation of America, LabCorp
Classification: Uncertain significance. Last evaluated: 2026-04-16. Review status: criteria provided, single submitter. Criteria: LabCorp Variant Classification Summary - May 2015. Collection method: clinical testing. Allele origin: germline.
Comment: Variant summary: KCNJ11 c.752T>C (p.Leu251Pro) results in a non-conservative amino acid change in the encoded protein sequence. Algorithms developed to predict the effect of missense changes on protein structure and function all suggest that this variant is likely to be disruptive. The variant was absent in 251312 control chromosomes (gnomAD). The available data on variant occurrences in the general population are insufficient to allow any conclusion about variant significance. To our knowledge, no occurrence of c.752T>C in individuals affected with KCNJ11-related conditions and no experimental evidence demonstrating its impact on protein function have been reported. No submitters have cited clinical-significance assessments for this variant to ClinVar. Based on the evidence outlined above, the variant was classified as uncertain significance.

NM_000525.4(KCNJ11):c.752T>C (p.Leu251Pro)

Gene: KCNJ11 (potassium inwardly rectifying channel subfamily J member 11; minus strand). Cytogenetic location: 11p15.1.
Variant type: single nucleotide variant.
Coding change: c.752T>C on transcript NM_000525.4 (MANE Select); coding-DNA position 752, T replaced by C.
Protein change: p.Leu251Pro; replaces leucine 251 with proline.
Molecular consequence: missense variant.
Genome position (GRCh38, 1-based): chr11:17,387,340, A>G on the plus strand (T>C on the coding strand, the complement: KCNJ11 is on the minus strand). VCF-style: chr11-17387340-A-G. GRCh37 (hg19) VCF-style: chr11-17408887-A-G.
Other names: c.491T>C, p.Leu164Pro (NM_001166290.2, NM_001377296.1, NM_001377297.1); short protein forms L164P, L251P.
Identifiers: ClinVar variation 4848503 (VCV004848503.1).